The following is an entry in ClinVar:

ClinVar aggregate classification (germline): Uncertain significance. Review status: criteria provided, single submitter (1 of 4 stars). 2 submissions from 2 submitters: Uncertain significance (1). 1 of the submissions does not count toward it. Last evaluated 2022-03-19.

Conditions:
Congenital neutropenia-myelofibrosis-nephromegaly syndrome. Also called: Severe congenital neutropenia 5, autosomal recessive. Identifiers: Orphanet 369852, MedGen C3809031, MONDO:0014118, OMIM 615285.

Allele frequency attached by ClinVar (database versions not stated): gnomAD 0.00001; TOPMed 0.00001; ESP Exome Variant Server 0.00008.
gnomAD v4.1: 6 of 1,613,788 alleles (0.00037%); highest among the groups gnomAD compares: African/African-American, 0.008%; no homozygotes.

Submissions (2):

Labcorp Genetics (formerly Invitae), Labcorp
Classification: Uncertain significance for Congenital neutropenia-myelofibrosis-nephromegaly syndrome. Last evaluated: 2022-03-19. Review status: criteria provided, single submitter. Criteria: Invitae Variant Classification Sherloc (09022015). Collection method: clinical testing. Allele origin: germline.
Comment: This sequence change replaces tyrosine, which is neutral and polar, with serine, which is neutral and polar, at codon 199 of the VPS45 protein (p.Tyr199Ser). This variant is present in population databases (rs368347807, gnomAD 0.01%). This variant has not been reported in the literature in individuals affected with VPS45-related conditions. ClinVar contains an entry for this variant (Variation ID: 661964). Algorithms developed to predict the effect of missense changes on protein structure and function (SIFT, PolyPhen-2, Align-GVGD) all suggest that this variant is likely to be tolerated. In summary, the available evidence is currently insufficient to determine the role of this variant in disease. Therefore, it has been classified as a Variant of Uncertain Significance.

Natera, Inc.
Classification: Uncertain significance for Autosomal recessive severe congenital neutropenia 5. Last evaluated: 2020-07-16. Review status: no assertion criteria provided. Collection method: clinical testing. Allele origin: germline. Not counted in ClinVar's aggregate classification.

NM_007259.5(VPS45):c.596A>C (p.Tyr199Ser)

Gene: VPS45 (vacuolar protein sorting 45 homolog; plus strand). Cytogenetic location: 1q21.2.
Variant type: single nucleotide variant.
Coding change: c.596A>C on transcript NM_007259.5 (MANE Select); coding-DNA position 596, A replaced by C.
Protein change: p.Tyr199Ser; replaces tyrosine 199 with serine.
Molecular consequence: missense variant. On other transcripts: non-coding transcript variant (1).
Genome position (GRCh38, 1-based): chr1:150,077,688, A>C. VCF-style: chr1-150077688-A-C. GRCh37 (hg19) VCF-style: chr1-150049766-A-C.
Other names: c.281A>C, p.Tyr94Ser (NM_001279353.2); c.488A>C, p.Tyr163Ser (NM_001279354.2); short protein forms Y163S, Y199S, Y94S.
Identifiers: ClinVar variation 661964 (VCV000661964.10), dbSNP rs368347807, ClinGen allele CA1073191.
Genomic context (GRCh38, chr1:150,077,688, plus strand): 5'-ACTAGATGGTTGCACAAACCATCTTTCTCTCTCACCCACAGCAAGTGATAACTAAAGAAT[A>C]TGAACTGTTTGAATTCCGTCGGACAGAGGTTCCTCCATTGCTCCTTATTTTAGATCGCTG-3'
Protein context (NP_009190.2, residues 189-209): ECVKQVITKE[Tyr199Ser]ELFEFRRTEV